The following is an entry in ClinVar:

ClinVar aggregate classification (germline): Uncertain significance. Review status: criteria provided, multiple submitters, no conflicts (2 of 4 stars). 3 submissions from 3 submitters: Uncertain significance (3). Last evaluated 2026-03-26.

Conditions:
Inborn genetic diseases. Identifiers: MedGen C0950123, MeSH D030342.

gnomAD v4.1: 1 of 1,607,096 alleles (0.000062%); highest among the groups gnomAD compares: Non-Finnish European, 0.000085%; no homozygotes.

Submissions (3):

Ambry Genetics
Classification: Uncertain significance for Inborn genetic diseases. Last evaluated: 2026-03-26. Review status: criteria provided, single submitter. Criteria: Ambry Variant Classification Scheme 2023. Collection method: clinical testing. Allele origin: germline.

GeneDx
Classification: Uncertain significance. Last evaluated: 2024-12-16. Review status: criteria provided, single submitter. Criteria: GeneDx Variant Classification Process June 2021. Collection method: clinical testing. Allele origin: germline. Affected: yes.
Comment: Not observed at significant frequency in large population cohorts (gnomAD); In silico analysis indicates that this missense variant does not alter protein structure/function; Has not been previously published as pathogenic or benign to our knowledge

Revvity Omics, Revvity
Classification: Uncertain significance. Last evaluated: 2022-07-01. Review status: criteria provided, single submitter. Criteria: ACMG Guidelines, 2015. Collection method: clinical testing. Allele origin: germline.

NM_001849.4(COL6A2):c.3016G>A (p.Ala1006Thr)

Gene: COL6A2 (collagen type VI alpha 2 chain; plus strand). Cytogenetic location: 21q22.3.
Variant type: single nucleotide variant.
Coding change: c.3016G>A on transcript NM_001849.4 (MANE Select); coding-DNA position 3016, G replaced by A.
Protein change: p.Ala1006Thr; replaces alanine 1006 with threonine.
Molecular consequence: missense variant.
Genome position (GRCh38, 1-based): chr21:46,132,508, G>A. VCF-style: chr21-46132508-G-A. GRCh37 (hg19) VCF-style: chr21-47552422-G-A.
Other names: short protein forms A1006T.
Identifiers: ClinVar variation 2440394 (VCV002440394.6), dbSNP rs1329172134, ClinGen allele CA410550664.
Genomic context (GRCh38, chr21:46,132,508, plus strand): 5'-ACCACGCTCAGCCTGGGTGACCGCGCCGCCGTGTTCCACGAGAAGGACTATGACAGCCTG[G>A]CGCAACCCGGCTTCTTCGACCGCTTCATCCGCTGGATCTGCTAGCGCCGCCGCCCGGGCC-3'
Protein context (NP_001840.3, residues 996-1016): VFHEKDYDSL[Ala1006Thr]QPGFFDRFIR